The following is an entry in ClinVar:

NM_001999.4(FBN2):c.1856A>G (p.Asp619Gly)

Gene: FBN2 (fibrillin 2; minus strand). Cytogenetic location: 5q23.3.
Variant type: single nucleotide variant.
Coding change: c.1856A>G on transcript NM_001999.4 (MANE Select); coding-DNA position 1856, A replaced by G.
Protein change: p.Asp619Gly; replaces aspartic acid 619 with glycine.
Molecular consequence: missense variant.
Genome position (GRCh38, 1-based): chr5:128,376,847, T>C on the plus strand (A>G on the coding strand, the complement: FBN2 is on the minus strand). VCF-style: chr5-128376847-T-C. GRCh37 (hg19) VCF-style: chr5-127712540-T-C.
Other names: short protein forms D619G.
Identifiers: ClinVar variation 4802962 (VCV004802962.1).

ClinVar aggregate classification (germline): Uncertain significance (1 of 4 stars; one submission).

Conditions:
Congenital contractural arachnodactyly (CCA). Also called: BEALS SYNDROME; Beals-Hecht syndrome; Arthrogryposis, distal, type 9. Identifiers: Orphanet 115, MedGen C0220668, MONDO:0007363, OMIM 121050.

Submission:

Labcorp Genetics (formerly Invitae), Labcorp
Classification: Uncertain significance for Congenital contractural arachnodactyly. Last evaluated: 2025-02-18. Review status: criteria provided, single submitter. Criteria: Invitae Variant Classification Sherloc (09022015). Collection method: clinical testing. Allele origin: germline.
Comment: This sequence change replaces aspartic acid, which is acidic and polar, with glycine, which is neutral and non-polar, at codon 619 of the FBN2 protein (p.Asp619Gly). This variant is not present in population databases (gnomAD no frequency). This variant has not been reported in the literature in individuals affected with FBN2-related conditions. Invitae Evidence Modeling of protein sequence and biophysical properties (such as structural, functional, and spatial information, amino acid conservation, physicochemical variation, residue mobility, and thermodynamic stability) indicates that this missense variant is expected to disrupt FBN2 protein function with a positive predictive value of 80%. In summary, the available evidence is currently insufficient to determine the role of this variant in disease. Therefore, it has been classified as a Variant of Uncertain Significance.